The following is an entry in ClinVar:

ClinVar aggregate classification (germline): Uncertain significance (1 of 4 stars; one submission).

Conditions:
Infantile spasms. Also called: Infantile spasm. Identifiers: MedGen C3887898, HP:0012469.

Allele frequency attached by ClinVar (database versions not stated): TOPMed below 0.00001.
gnomAD v4.1: 3 of 1,614,162 alleles (0.00019%); highest among the groups gnomAD compares: Non-Finnish European, 0.00025%; no homozygotes.

Submission:

Labcorp Genetics (formerly Invitae), Labcorp
Classification: Uncertain significance for Infantile spasms. Last evaluated: 2024-10-22. Review status: criteria provided, single submitter. Criteria: Invitae Variant Classification Sherloc (09022015). Collection method: clinical testing. Allele origin: germline.
Comment: This sequence change replaces glycine, which is neutral and non-polar, with arginine, which is basic and polar, at codon 270 of the PIK3AP1 protein (p.Gly270Arg). This variant is not present in population databases (gnomAD no frequency). This variant has not been reported in the literature in individuals affected with PIK3AP1-related conditions. ClinVar contains an entry for this variant (Variation ID: 1521823). An algorithm developed to predict the effect of missense changes on protein structure and function (PolyPhen-2) suggests that this variant is likely to be disruptive. In summary, the available evidence is currently insufficient to determine the role of this variant in disease. Therefore, it has been classified as a Variant of Uncertain Significance.

NM_152309.3(PIK3AP1):c.808G>A (p.Gly270Arg)

Gene: PIK3AP1 (phosphoinositide-3-kinase adaptor protein 1; minus strand). Cytogenetic location: 10q24.1.
Variant type: single nucleotide variant.
Coding change: c.808G>A on transcript NM_152309.3 (MANE Select); coding-DNA position 808, G replaced by A.
Protein change: p.Gly270Arg; replaces glycine 270 with arginine.
Molecular consequence: missense variant.
Genome position (GRCh38, 1-based): chr10:96,651,556, C>T on the plus strand (G>A on the coding strand, the complement: PIK3AP1 is on the minus strand). VCF-style: chr10-96651556-C-T. GRCh37 (hg19) VCF-style: chr10-98411313-C-T.
Other names: short protein forms G270R.
Identifiers: ClinVar variation 1521823 (VCV001521823.8), dbSNP rs751076536, ClinGen allele CA377747280.